The following is an entry in ClinVar:

NM_000520.6(HEXA):c.51_52insAGTTTTCGCTGCTGCTGGCGGCAGCGTTCGCA (p.Gly18fs)

Gene: HEXA (hexosaminidase subunit alpha; minus strand). Cytogenetic location: 15q23.
Variant type: Insertion.
Coding change: c.51_52insAGTTTTCGCTGCTGCTGGCGGCAGCGTTCGCA on transcript NM_000520.6 (MANE Select); coding-DNA positions 51 to 52, AGTTTTCGCTGCTGCTGGCGGCAGCGTTCGCA inserted.
Protein change: p.Gly18fs; shifts the reading frame from glycine 18.
Molecular consequence: frameshift variant. On other transcripts: non-coding transcript variant (1).
Genome position: GRCh38: chr15:72,375,952-72,375,953. GRCh37 (hg19): chr15:72,668,293-72,668,294.
Other names: c.51_52insAGTTTTCGCTGCTGCTGGCGGCAGCGTTCGCA, p.Gly18fs (NM_001318825.2); short protein forms G18fs.
Identifiers: ClinVar variation 1440029 (VCV001440029.6), dbSNP rs2140344825, ClinGen allele CA2573151073.
Genomic context (GRCh38, chr15:72,375,921, plus strand): 5'-CGTAGCGCTGGTCGGAGGTTTGGAAGTTCTGAGGCCAGGGCCAGAGGGCCGTCGCCCGTC[C>CTGCGAACGCTGCCGCCAGCAGCAGCGAAAACT]TGCGAACGCTGCCGCCAGCAGCAGCGAAAACCAAAGCCTGGAGCTTGTCATGGCCCGCTG-3'

ClinVar aggregate classification (germline): Pathogenic (1 of 4 stars; one submission).

Conditions:
Tay-Sachs disease (TSD). Also called: HEXA DEFICIENCY; GM2 gangliosidosis, type 1; Hexosaminidase alpha-subunit deficiency (variant B); Sphingolipidosis, Tay-Sachs; HEXA Disorders; Hexosaminidase A Deficiency. Identifiers: Orphanet 845, MedGen C0039373, MONDO:0010100, OMIM 272800.

Submission:

Labcorp Genetics (formerly Invitae), Labcorp
Classification: Pathogenic for Tay-Sachs disease. Last evaluated: 2021-10-09. Review status: criteria provided, single submitter. Criteria: Invitae Variant Classification Sherloc (09022015). Collection method: clinical testing. Allele origin: germline.
Comment: This variant has not been reported in the literature in individuals affected with HEXA-related conditions. This variant is not present in population databases (ExAC no frequency). This sequence change creates a premature translational stop signal (p.Gly18Serfs*93) in the HEXA gene. It is expected to result in an absent or disrupted protein product. Loss-of-function variants in HEXA are known to be pathogenic (PMID: 1833974, 8490625). For these reasons, this variant has been classified as Pathogenic. Algorithms developed to predict the effect of sequence changes on RNA splicing suggest that this variant may create or strengthen a splice site.

Literature cited by the submitters: PubMed 1833974; PubMed 8490625.